The following is an entry in ClinVar:

NM_001375808.2(LPIN2):c.1268+154C>T

Gene: LPIN2 (lipin 2; minus strand). Cytogenetic location: 18p11.31.
Variant type: single nucleotide variant.
Coding change: c.1268+154C>T on transcript NM_001375808.2 (MANE Select); 154 bases into the intron after coding-DNA position 1268, C replaced by T.
Molecular consequence: intron variant.
Genome position (GRCh38, 1-based): chr18:2,934,197, G>A on the plus strand (C>T on the coding strand, the complement: LPIN2 is on the minus strand). VCF-style: chr18-2934197-G-A. GRCh37 (hg19) VCF-style: chr18-2934195-G-A.
Other names: c.1268+154C>T (NM_014646.2, NM_001375809.1).
Identifiers: ClinVar variation 677640 (VCV000677640.1), dbSNP rs116250233, ClinGen allele CA295504507.

ClinVar aggregate classification (germline): Likely benign (1 of 4 stars; one submission).

Allele frequency attached by ClinVar (database versions not stated): gnomAD 0.00807 and 0.00864; 1000 Genomes Project 0.00879; TOPMed 0.00909; 1000 Genomes Project 30x 0.01031.
gnomAD v4.1: 1,218 of 152,150 alleles (0.8%); highest among the groups gnomAD compares: African/African-American, 2.8%; 23 homozygotes.

Submission:

GeneDx
Classification: Likely benign. Last evaluated: 2018-06-16. Review status: criteria provided, single submitter. Criteria: GeneDx Variant Classification (06012015). Collection method: clinical testing. Allele origin: germline. Affected: yes.
Comment: This variant is considered likely benign or benign based on one or more of the following criteria: it is a conservative change, it occurs at a poorly conserved position in the protein, it is predicted to be benign by multiple in silico algorithms, and/or has population frequency not consistent with disease.